The following is an entry in ClinVar:

ClinVar aggregate classification (germline): Benign/Likely benign. Review status: criteria provided, multiple submitters, no conflicts (2 of 4 stars). 2 submissions from 2 submitters: Benign (1); Likely benign (1). Last evaluated 2024-12-23.

Conditions:
DSCAM-related disorder. Also called: DSCAM-related condition.

Allele frequency attached by ClinVar (database versions not stated): ExAC 0.00089; gnomAD exomes 0.00107; gnomAD 0.00110 and 0.00137; 1000 Genomes Project 0.00120; 1000 Genomes Project 30x 0.00125.
gnomAD v4.1: 990 of 1,271,104 alleles (0.078%); highest among the groups gnomAD compares: South Asian, 0.87%; 4 homozygotes.

Submissions (2):

PreventionGenetics, part of Exact Sciences
Classification: Likely benign for DSCAM-related condition. Last evaluated: 2024-12-23. Review status: criteria provided, single submitter. Criteria: ACMG Guidelines, 2015. Collection method: clinical testing. Allele origin: germline.
Comment: This variant is classified as likely benign based on ACMG/AMP sequence variant interpretation guidelines (Richards et al. 2015 PMID: 25741868, with internal and published modifications).

Labcorp Genetics (formerly Invitae), Labcorp
Classification: Benign. Last evaluated: 2019-12-31. Review status: criteria provided, single submitter. Criteria: Invitae Variant Classification Sherloc (09022015). Collection method: clinical testing. Allele origin: germline.

NM_001389.5(DSCAM):c.5388A>C (p.Arg1796=)

Gene: DSCAM (DS cell adhesion molecule; minus strand). Cytogenetic location: 21q22.2.
Variant type: single nucleotide variant.
Coding change: c.5388A>C on transcript NM_001389.5 (MANE Select); coding-DNA position 5388, A replaced by C.
Protein change: p.Arg1796=; no amino-acid change (arginine 1796 retained).
Molecular consequence: synonymous variant. On other transcripts: non-coding transcript variant (1).
Genome position (GRCh38, 1-based): chr21:40,042,669, T>G on the plus strand (A>C on the coding strand, the complement: DSCAM is on the minus strand). VCF-style: chr21-40042669-T-G. GRCh37 (hg19) VCF-style: chr21-41414596-T-G.
Other names: c.5388A>C, p.Arg1796= (NM_001271534.3).
Identifiers: ClinVar variation 742975 (VCV000742975.5), dbSNP rs181977833, ClinGen allele CA10030315.
Genomic context (GRCh38, chr21:40,042,669, plus strand): 5'-CCTGGCCAGTTCTTCGTAAGTGGAGGAGGCACTTTCTGTGGAGACCATGCTGCTTCTTGC[T>G]CGATCTACACCAGGAAAGAGAAAAACAAGACGGACGACTCACCATCAGAAGTCTGAACCA-3'
Protein context (NP_001380.2, residues 1786-1806): YSVSPSQDTD[Arg1796=]ARSSMVSTES